The following is an entry in ClinVar:

NM_022356.4(P3H1):c.1608C>T (p.His536=)

Gene: P3H1 (prolyl 3-hydroxylase 1; minus strand). Cytogenetic location: 1p34.2.
Variant type: single nucleotide variant.
Coding change: c.1608C>T on transcript NM_022356.4 (MANE Select); coding-DNA position 1608, C replaced by T.
Protein change: p.His536=; no amino-acid change (histidine 536 retained).
Molecular consequence: synonymous variant.
Genome position (GRCh38, 1-based): chr1:42,750,298, G>A on the plus strand (C>T on the coding strand, the complement: P3H1 is on the minus strand). VCF-style: chr1-42750298-G-A. GRCh37 (hg19) VCF-style: chr1-43215969-G-A.
Other names: c.1608C>T, p.His536= (NM_001146289.2, NM_001243246.2).
Identifiers: ClinVar variation 2720866 (VCV002720866.5), dbSNP rs201725061, ClinGen allele CA801762.

ClinVar aggregate classification (germline): Likely benign. Review status: criteria provided, single submitter (1 of 4 stars). 2 submissions from 2 submitters: Likely benign (1). 1 of the submissions does not count toward it. Last evaluated 2024-02-19.

Conditions:
P3H1-related disorder. Also called: P3H1-related condition.
Osteogenesis imperfecta type 8 (OI8). Identifiers: MedGen C1970458, MONDO:0012581, OMIM 610915.

Allele frequency attached by ClinVar (database versions not stated): gnomAD 0.00002; TOPMed 0.00002; ExAC 0.00003; ESP Exome Variant Server 0.00008.
gnomAD v4.1: 173 of 1,613,946 alleles (0.011%); highest among the groups gnomAD compares: Non-Finnish European, 0.014%; no homozygotes.

Submissions (2):

Labcorp Genetics (formerly Invitae), Labcorp
Classification: Likely benign for Osteogenesis imperfecta type 8. Last evaluated: 2024-02-19. Review status: criteria provided, single submitter. Criteria: Invitae Variant Classification Sherloc (09022015). Collection method: clinical testing. Allele origin: germline.

PreventionGenetics, part of Exact Sciences
Classification: Likely benign for P3H1-related condition. Last evaluated: 2020-01-13. Review status: no assertion criteria provided. Collection method: clinical testing. Allele origin: germline. Not counted in ClinVar's aggregate classification.
Comment: This variant is classified as likely benign based on ACMG/AMP sequence variant interpretation guidelines (Richards et al. 2015 PMID: 25741868, with internal and published modifications).